The following is an entry in ClinVar:

NM_001291088.2(WDR87):c.5082G>A (p.Ala1694=)

Gene: WDR87 (WD repeat domain 87; minus strand). Cytogenetic location: 19q13.13.
Variant type: single nucleotide variant.
Coding change: c.5082G>A on transcript NM_001291088.2 (MANE Select); coding-DNA position 5082, G replaced by A.
Protein change: p.Ala1694=; no amino-acid change (alanine 1694 retained).
Molecular consequence: synonymous variant.
Genome position (GRCh38, 1-based): chr19:37,888,589, C>T on the plus strand (G>A on the coding strand, the complement: WDR87 is on the minus strand). VCF-style: chr19-37888589-C-T. GRCh37 (hg19) VCF-style: chr19-38379229-C-T.
Other names: c.4965G>A, p.Ala1655= (NM_031951.5).
Identifiers: ClinVar variation 1579905 (VCV001579905.32), dbSNP rs188055814, ClinGen allele CA9408603.
Genomic context (GRCh38, chr19:37,888,589, plus strand): 5'-TTCTCTAGCCACTTTCTCCCATTTCTTGGCCAGTTTCTTCCTTTTCTGGGCCAATTTCTC[C>T]GCCTCCTGGCTTAGCTTCTCCCCTCTTTGGGCCAGTGTTTCCTCTTTCTGGGCAAACTTA-3'
Protein context (NP_001278017.1, residues 1684-1704): AQRGEKLSQE[Ala1694=]EKLAQKRKKL

ClinVar aggregate classification (germline): Benign/Likely benign. Review status: criteria provided, multiple submitters, no conflicts (2 of 4 stars). 2 submissions from 2 submitters: Benign (1); Likely benign (1). Last evaluated 2026-01-28.

Allele frequency attached by ClinVar (database versions not stated): 1000 Genomes Project 30x 0.00078; 1000 Genomes Project 0.00080; ExAC 0.00153; gnomAD exomes 0.00154; ESP Exome Variant Server 0.00219.
gnomAD v4.1: 4,474 of 1,551,898 alleles (0.29%); highest among the groups gnomAD compares: Non-Finnish European, 0.36%; 14 homozygotes.

Submissions (2):

Labcorp Genetics (formerly Invitae), Labcorp
Classification: Benign. Last evaluated: 2026-01-28. Review status: criteria provided, single submitter. Criteria: Invitae Variant Classification Sherloc (09022015). Collection method: clinical testing. Allele origin: germline.

CeGaT Center for Human Genetics Tuebingen
Classification: Likely benign. Last evaluated: 2023-02-01. Review status: criteria provided, single submitter. Criteria: CeGaT Center For Human Genetics Tuebingen Variant Classification Criteria Version 2. Collection method: clinical testing. Allele origin: germline. Affected: yes. Observed: 1 variant allele.
Comment: WDR87: BP4, BP7, BS2